The following is an entry in ClinVar:

ClinVar aggregate classification (germline): Uncertain significance (1 of 4 stars; one submission).

Conditions:
Autosomal recessive limb-girdle muscular dystrophy type 2P. Also called: MUSCULAR DYSTROPHY-DYSTROGLYCANOPATHY, LIMB-GIRDLE, DAG1-RELATED; Limb-Girdle Muscular Dystrophy Type 9C; MUSCULAR DYSTROPHY, LIMB-GIRDLE, TYPE 2P. Identifiers: Orphanet 280333, MedGen C4511963, MONDO:0013440, OMIM 613818.
Muscular dystrophy-dystroglycanopathy (congenital with brain and eye anomalies), type A9. Also called: Muscular dystrophy-dystroglycanopathy (congenital with brain and eye anomalies), type a, 9; WALKER-WARBURG SYNDROME OR MUSCLE-EYE BRAIN DISEASE, DAG1-RELATED. Identifiers: Orphanet 370997, Orphanet 899, MedGen C4225291, MONDO:0014683, OMIM 616538.

Allele frequency attached by ClinVar (database versions not stated): TOPMed 0.00001; gnomAD 0.00002 and 0.00003; gnomAD exomes 0.00002 and 0.00003; ExAC 0.00003; 1000 Genomes Project 30x 0.00016; 1000 Genomes Project 0.00020.
gnomAD v4.1: 33 of 1,614,130 alleles (0.002%); highest among the groups gnomAD compares: Middle Eastern, 0.016%; 1 homozygote.

Submission:

Labcorp Genetics (formerly Invitae), Labcorp
Classification: Uncertain significance for Autosomal recessive limb-girdle muscular dystrophy type 2P; Muscular dystrophy-dystroglycanopathy (congenital with brain and eye anomalies), type A9. Last evaluated: 2022-08-04. Review status: criteria provided, single submitter. Criteria: Invitae Variant Classification Sherloc (09022015). Collection method: clinical testing. Allele origin: germline.
Comment: This sequence change replaces arginine, which is basic and polar, with tryptophan, which is neutral and slightly polar, at codon 457 of the DAG1 protein (p.Arg457Trp). This variant is present in population databases (rs544574838, gnomAD 0.02%). This variant has not been reported in the literature in individuals affected with DAG1-related conditions. ClinVar contains an entry for this variant (Variation ID: 649249). Algorithms developed to predict the effect of missense changes on protein structure and function are either unavailable or do not agree on the potential impact of this missense change (SIFT: "Deleterious"; PolyPhen-2: "Possibly Damaging"; Align-GVGD: "Class C0"). In summary, the available evidence is currently insufficient to determine the role of this variant in disease. Therefore, it has been classified as a Variant of Uncertain Significance.

NM_004393.6(DAG1):c.1369C>T (p.Arg457Trp)

Gene: DAG1 (dystroglycan 1; plus strand). Cytogenetic location: 3p21.31.
Variant type: single nucleotide variant.
Coding change: c.1369C>T on transcript NM_004393.6 (MANE Select); coding-DNA position 1369, C replaced by T.
Protein change: p.Arg457Trp; replaces arginine 457 with tryptophan.
Molecular consequence: missense variant.
Genome position (GRCh38, 1-based): chr3:49,531,880, C>T. VCF-style: chr3-49531880-C-T. GRCh37 (hg19) VCF-style: chr3-49569313-C-T.
Other names: c.1369C>T, p.Arg457Trp (NM_001165928.4, NM_001177634.3, NM_001177635.3 and 9 more transcripts); short protein forms R457W.
Identifiers: ClinVar variation 649249 (VCV000649249.4), dbSNP rs544574838, ClinGen allele CA2399068.